The following is an entry in ClinVar:

NM_001277115.2(DNAH11):c.7552del (p.Val2518fs)

Gene: DNAH11 (dynein axonemal heavy chain 11; plus strand). Cytogenetic location: 7p15.3.
Variant type: Deletion.
Coding change: c.7552del on transcript NM_001277115.2 (MANE Select); coding-DNA position 7552, one base deleted (G; older notation c.7552delG).
Protein change: p.Val2518fs; shifts the reading frame from valine 2518.
Molecular consequence: frameshift variant.
Genome position (GRCh38, 1-based): chr7:21,735,751, G deleted. VCF-style (leftmost placement, unchanged base first): chr7-21735750-AG-A. GRCh37 (hg19) VCF-style: chr7-21775368-AG-A.
Other names: short protein forms V2518fs.
Identifiers: ClinVar variation 4770943 (VCV004770943.1).

ClinVar aggregate classification (germline): Pathogenic (1 of 4 stars; one submission).

Conditions:
Primary ciliary dyskinesia. Also called: Ciliary dyskinesia. Identifiers: Orphanet 244, MedGen C0008780, MONDO:0016575, HP:0012265.

Submission:

Labcorp Genetics (formerly Invitae), Labcorp
Classification: Pathogenic for Primary ciliary dyskinesia. Last evaluated: 2025-03-28. Review status: criteria provided, single submitter. Criteria: Invitae Variant Classification Sherloc (09022015). Collection method: clinical testing. Allele origin: germline.
Comment: This sequence change creates a premature translational stop signal (p.Val2518Serfs*3) in the DNAH11 gene. It is expected to result in an absent or disrupted protein product. Loss-of-function variants in DNAH11 are known to be pathogenic (PMID: 18022865, 20513915, 22184204). This variant is not present in population databases (gnomAD no frequency). This variant has not been reported in the literature in individuals affected with DNAH11-related conditions. For these reasons, this variant has been classified as Pathogenic.

Literature cited by the submitters: PubMed 18022865; PubMed 20513915; PubMed 22184204.